The following is an entry in ClinVar:

ClinVar aggregate classification (germline): Pathogenic (1 of 4 stars; one submission).

Submission:

Labcorp Genetics (formerly Invitae), Labcorp
Classification: Pathogenic. Last evaluated: 2025-03-17. Review status: criteria provided, single submitter. Criteria: Invitae Variant Classification Sherloc (09022015). Collection method: clinical testing. Allele origin: germline.
Comment: This sequence change creates a premature translational stop signal (p.Asn2879Thrfs*3) in the DMXL2 gene. It is expected to result in an absent or disrupted protein product. Loss-of-function variants in DMXL2 are known to be pathogenic (PMID: 30237576, 31688942). This variant is not present in population databases (gnomAD no frequency). This variant has not been reported in the literature in individuals affected with DMXL2-related conditions. For these reasons, this variant has been classified as Pathogenic.

Literature cited by the submitters: PubMed 30237576; PubMed 31688942.

NC_000015.10:g.51451683_51451698del

Gene: DMXL2 (Dmx like 2; minus strand). Cytogenetic location: 15q21.2.
Variant type: Deletion.
Genome position: GRCh38 VCF-style: chr15-51451681-CCCAGAGGCAAACATTT-C. GRCh37 (hg19) VCF-style: chr15-51743878-CCCAGAGGCAAACATTT-C.
Identifiers: ClinVar variation 3661881 (VCV003661881.2).